The following is an entry in ClinVar:

ClinVar aggregate classification (germline): Uncertain significance (1 of 4 stars; one submission).

Conditions:
Inborn genetic diseases. Identifiers: MedGen C0950123, MeSH D030342.

Submission:

Ambry Genetics
Classification: Uncertain significance for Inborn genetic diseases. Last evaluated: 2026-08-20. Review status: criteria provided, single submitter. Criteria: Ambry Variant Classification Scheme 2023. Collection method: clinical testing. Allele origin: germline.
Comment: The c.1454A>G (p.H485R) alteration is located in exon 8 (coding exon 6) of the CTCF gene. This alteration results from a A to G substitution at nucleotide position 1454, causing the histidine (H) at amino acid position 485 to be replaced by an arginine (R). This variant was not reported in population-based cohorts in the Genome Aggregation Database (gnomAD). This variant was reported in individual(s) with features consistent with CTCF-related neurodevelopmental disorder (Karimi, 2024). This amino acid position is highly conserved in available vertebrate species. This missense variant is located in a region that has a low rate of benign missense variation (Lek, 2016; Firth, 2009). This alteration is predicted to be deleterious by in silico analysis. Based on insufficient or conflicting evidence, the clinical significance of this alteration remains unclear.

Literature cited by the submitters: PubMed 38054406.

NM_006565.4(CTCF):c.1454A>G (p.His485Arg)

Gene: CTCF (CCCTC-binding factor; plus strand). Cytogenetic location: 16q22.1.
Variant type: single nucleotide variant.
Coding change: c.1454A>G on transcript NM_006565.4 (MANE Select); coding-DNA position 1454, A replaced by G.
Protein change: p.His485Arg; replaces histidine 485 with arginine.
Molecular consequence: missense variant.
Genome position (GRCh38, 1-based): chr16:67,626,651, A>G. VCF-style: chr16-67626651-A-G. GRCh37 (hg19) VCF-style: chr16-67660554-A-G.
Other names: c.470A>G, p.His157Arg (NM_001191022.2); c.1454A>G, p.His485Arg (NM_001363916.2, NM_001438968.1, NM_001438969.1); short protein forms H485R, H157R.
Identifiers: ClinVar variation 5034982 (VCV005034982.1).